The following is an entry in ClinVar:

NM_001103.4(ACTN2):c.1516-205G>T

Gene: ACTN2 (actinin alpha 2; plus strand). Cytogenetic location: 1q43.
Variant type: single nucleotide variant.
Coding change: c.1516-205G>T on transcript NM_001103.4 (MANE Select); 205 bases into the intron before coding-DNA position 1516, G replaced by T.
Molecular consequence: intron variant.
Genome position (GRCh38, 1-based): chr1:236,748,919, G>T. VCF-style: chr1-236748919-G-T. GRCh37 (hg19) VCF-style: chr1-236912219-G-T.
Other names: c.892-205G>T (NM_001278344.2); c.1516-205G>T (NM_001278343.2).
Identifiers: ClinVar variation 672007 (VCV000672007.1), dbSNP rs3818884, ClinGen allele CA10976512.

ClinVar aggregate classification (germline): Benign (1 of 4 stars; one submission).

Allele frequency attached by ClinVar (database versions not stated): 1000 Genomes Project 0.77536; 1000 Genomes Project 30x 0.77623; TOPMed 0.79459; gnomAD 0.80005 and 0.80283.
gnomAD v4.1: 122,266 of 152,114 alleles (80%); highest among the groups gnomAD compares: Non-Finnish European, 88%; 50,006 homozygotes.

Submission:

GeneDx
Classification: Benign. Last evaluated: 2018-06-14. Review status: criteria provided, single submitter. Criteria: GeneDx Variant Classification (06012015). Collection method: clinical testing. Allele origin: germline. Affected: yes.
Comment: This variant is considered likely benign or benign based on one or more of the following criteria: it is a conservative change, it occurs at a poorly conserved position in the protein, it is predicted to be benign by multiple in silico algorithms, and/or has population frequency not consistent with disease.